The following is an entry in ClinVar:

NM_014009.4(FOXP3):c.984G>A (p.Met328Ile)

Gene: FOXP3 (forkhead box P3; minus strand). Cytogenetic location: Xp11.23.
Variant type: single nucleotide variant.
Coding change: c.984G>A on transcript NM_014009.4 (MANE Select); coding-DNA position 984, G replaced by A.
Protein change: p.Met328Ile; replaces methionine 328 with isoleucine.
Molecular consequence: missense variant.
Genome position (GRCh38, 1-based): chrX:49,253,186, C>T on the plus strand (G>A on the coding strand, the complement: FOXP3 is on the minus strand). VCF-style: chrX-49253186-C-T. GRCh37 (hg19) VCF-style: chrX-49109647-C-T.
Other names: c.879G>A, p.Met293Ile (NM_001114377.2); short protein forms M328I, M293I.
Identifiers: ClinVar variation 460309 (VCV000460309.16), dbSNP rs367860281, ClinGen allele CA10411688.

ClinVar aggregate classification (germline): Conflicting classifications of pathogenicity. Review status: criteria provided, conflicting classifications (1 of 4 stars). 3 submissions from 3 submitters: Uncertain significance (1); Benign (1); Likely benign (1). Last evaluated 2025-12-01.

Conditions:
Insulin-dependent diabetes mellitus secretory diarrhea syndrome (IPEX). Also called: Immunodeficiency, Polyendocrinopathy, and Enteropathy X-Linked Syndrome; X-Linked Syndrome of Polyendocrinopathy, Immune Dysfunction, and Diarrhea; IMMUNODEFICIENCY, POLYENDOCRINOPATHY, AND ENTEROPATHY, X-LINKED; DIABETES MELLITUS, CONGENITAL INSULIN-DEPENDENT, WITH FATAL SECRETORY DIARRHEA; DIARRHEA, POLYENDOCRINOPATHY, FATAL INFECTION SYNDROME, X-LINKED; ENTEROPATHY, AUTOIMMUNE, WITH HEMOLYTIC ANEMIA AND POLYENDOCRINOPATHY. Identifiers: Orphanet 37042, MedGen C0342288, MONDO:0010580, OMIM 304790. Disease mechanism: loss of function.

Allele frequency attached by ClinVar (database versions not stated): ExAC 0.00003; gnomAD exomes 0.00003 and 0.00004; gnomAD 0.00006 and 0.00008; ESP Exome Variant Server 0.00009; TOPMed 0.00012.
gnomAD v4.1: 39 of 1,207,149 alleles (0.0032%); highest among the groups gnomAD compares: African/African-American, 0.023%; no homozygotes.

Submissions (3):

Labcorp Genetics (formerly Invitae), Labcorp
Classification: Benign for Insulin-dependent diabetes mellitus secretory diarrhea syndrome. Last evaluated: 2025-12-01. Review status: criteria provided, single submitter. Criteria: Invitae Variant Classification Sherloc (09022015). Collection method: clinical testing. Allele origin: germline.

Fulgent Genetics
Classification: Likely benign for Insulin-dependent diabetes mellitus secretory diarrhea syndrome. Last evaluated: 2024-01-05. Review status: criteria provided, single submitter. Criteria: ACMG Guidelines, 2015. Collection method: clinical testing. Allele origin: germline.

Genetic Services Laboratory, University of Chicago
Classification: Uncertain significance. Last evaluated: 2020-07-17. Review status: criteria provided, single submitter. Criteria: ACMG Guidelines, 2015. Collection method: clinical testing. Allele origin: germline. Affected: no.
Comment: DNA sequence analysis of the FOXP3 gene demonstrated a sequence change, c.984G>A, in exon 10 that results in an amino acid change, p.Met328Ile. This sequence change does not appear to have been previously described in patients with FOXP3-related disorders. It has been described in the gnomAD database with a low population frequency of 0.005% (dbSNP rs367860281). The p.Met328Ile change affects a highly conserved amino acid residue of the FOXP3 protein. In-silico pathogenicity prediction tools (SIFT, PolyPhen2, Align GVGD, REVEL) provide contradictory results for the p.Met328Ile substitution. Due to these contrasting evidences and the lack of functional study, the clinical significance of the p.Met328Ile change remains unknown at this time.